The following is an entry in ClinVar:

NM_005120.3(MED12):c.3002A>G (p.Lys1001Arg)

Gene: MED12 (mediator complex subunit 12; plus strand). Cytogenetic location: Xq13.1.
Variant type: single nucleotide variant.
Coding change: c.3002A>G on transcript NM_005120.3 (MANE Select); coding-DNA position 3002, A replaced by G.
Protein change: p.Lys1001Arg; replaces lysine 1001 with arginine.
Molecular consequence: missense variant.
Genome position (GRCh38, 1-based): chrX:71,127,913, A>G. VCF-style: chrX-71127913-A-G. GRCh37 (hg19) VCF-style: chrX-70347763-A-G.
Other names: NM_005120.3:c.3002A>G; NC_000023.10:g.70347763A>G; short protein forms K1001R.
Identifiers: ClinVar variation 3383315 (VCV003383315.2).
Genomic context (GRCh38, chrX:71,127,913, plus strand): 5'-CTTCTTCAACACTACTATCTCCTTTCCTCCATCCCTGCAGCGACTTTTGCTCAAAGGTGA[A>G]GAACACCATCTACTGCAACGTGGAGCCATCGGAATCAAATATGCGCTGGGCACCTGAGTT-3'
Protein context (NP_005111.2, residues 991-1011): ELFSDFCSKV[Lys1001Arg]NTIYCNVEPS

ClinVar aggregate classification (germline): Uncertain significance (1 of 4 stars; one submission).

Conditions:
X-linked intellectual disability with marfanoid habitus. Also called: Lujan Syndrome; X-linked mental retardation with marfanoid habitus syndrome; Lujan Syndrome (LS); INTELLECTUAL DEVELOPMENTAL DISORDER, X-LINKED, SYNDROMIC, LUJAN-FRYNS TYPE. Identifiers: Orphanet 776, MedGen C0796022, MONDO:0010655, OMIM 309520.

Submissions (2):

Broad Center for Mendelian Genomics, Broad Institute of MIT and Harvard
Classification: Uncertain significance for X-linked intellectual disability with marfanoid habitus. Last evaluated: 2024-11-26. Review status: criteria provided, single submitter. Criteria: ACMG Guidelines, 2015. Collection method: curation. Allele origin: germline. Inheritance: X-linked inheritance. Study: GREGoR Consortium.
Comment: The p.Lys1001Arg variant in MED12 has not been previously reported in the literature in individuals with X-linked intellectual disability with marfanoid habitus and this variant was absent from large population studies. Computational prediction tools and conservation analyses suggest that this variant may impact the protein, though this information is not predictive enough to determine pathogenicity. In summary, while there is some suspicion for a pathogenic role, the clinical significance of this variant is uncertain. ACMG/AMP Criteria applied: PM2_supporting, PP3 (Richards 2015).

Dr. Peter K. Rogan Lab, Western University
No classification provided (evidence only). Condition: Nonpapillary renal cell carcinoma. Review status: no classification provided. Collection method: in vitro. Allele origin: not applicable. Functional consequence: skipped exon, retained intron. Not counted in ClinVar's aggregate classification.